The following is an entry in ClinVar:

NM_001352514.2(HLCS):c.1328T>G (p.Val443Gly)

Gene: HLCS (holocarboxylase synthetase; minus strand). Cytogenetic location: 21q22.13.
Variant type: single nucleotide variant.
Coding change: c.1328T>G on transcript NM_001352514.2 (MANE Select); coding-DNA position 1328, T replaced by G.
Protein change: p.Val443Gly; replaces valine 443 with glycine.
Molecular consequence: missense variant. On other transcripts: non-coding transcript variant (2).
Genome position (GRCh38, 1-based): chr21:36,936,558, A>C on the plus strand (T>G on the coding strand, the complement: HLCS is on the minus strand). VCF-style: chr21-36936558-A-C. GRCh37 (hg19) VCF-style: chr21-38308858-A-C.
Other names: c.887T>G, p.Val296Gly (NM_000411.8, NM_001242784.3, NM_001242785.2 and 4 more transcripts); short protein forms V296G, V443G.
Identifiers: ClinVar variation 660589 (VCV000660589.10), dbSNP rs778061862, ClinGen allele CA10020593.

ClinVar aggregate classification (germline): Uncertain significance. Review status: criteria provided, single submitter (1 of 4 stars). 2 submissions from 2 submitters: Uncertain significance (1). 1 of the submissions does not count toward it. Last evaluated 2021-08-26.

Conditions:
Holocarboxylase synthetase deficiency. Also called: MULTIPLE CARBOXYLASE DEFICIENCY, EARLY ONSET. Identifiers: Orphanet 79242, MedGen C0268581, MONDO:0009666, OMIM 253270.

Allele frequency attached by ClinVar (database versions not stated): gnomAD exomes below 0.00001; ExAC 0.00001; gnomAD 0.00001.
gnomAD v4.1: 4 of 1,614,040 alleles (0.00025%); highest among the groups gnomAD compares: Non-Finnish European, 0.00034%; no homozygotes.

Submissions (2):

Labcorp Genetics (formerly Invitae), Labcorp
Classification: Uncertain significance for Holocarboxylase synthetase deficiency. Last evaluated: 2021-08-26. Review status: criteria provided, single submitter. Criteria: Invitae Variant Classification Sherloc (09022015). Collection method: clinical testing. Allele origin: germline.
Comment: This sequence change replaces valine with glycine at codon 296 of the HLCS protein (p.Val296Gly). The valine residue is weakly conserved and there is a moderate physicochemical difference between valine and glycine. This variant is present in population databases (rs778061862, ExAC 0.001%). This variant has not been reported in the literature in individuals affected with HLCS-related conditions. Algorithms developed to predict the effect of missense changes on protein structure and function output the following: SIFT: "Tolerated"; PolyPhen-2: "Benign"; Align-GVGD: "Class C0". The glycine amino acid residue is found in multiple mammalian species, which suggests that this missense change does not adversely affect protein function. In summary, the available evidence is currently insufficient to determine the role of this variant in disease. Therefore, it has been classified as a Variant of Uncertain Significance.

Natera, Inc.
Classification: Uncertain significance for Holocarboxylase synthetase deficiency. Last evaluated: 2021-06-24. Review status: no assertion criteria provided. Collection method: clinical testing. Allele origin: germline. Not counted in ClinVar's aggregate classification.